The following is an entry in ClinVar:

NM_052947.4(ALPK2):c.4511T>C (p.Ile1504Thr)

Genes: ALPK2 (alpha kinase 2; minus strand), LOC126862764 (BRD4-independent group 4 enhancer GRCh37_chr18:56202574-56203773; plus strand). Cytogenetic location: 18q21.31.
Variant type: single nucleotide variant.
Coding change: c.4511T>C on transcript NM_052947.4 (MANE Select); coding-DNA position 4511, T replaced by C.
Protein change: p.Ile1504Thr; replaces isoleucine 1504 with threonine.
Molecular consequence: missense variant.
Genome position (GRCh38, 1-based): chr18:58,535,676, A>G on the plus strand (T>C on the coding strand, the complement: ALPK2 is on the minus strand). VCF-style: chr18-58535676-A-G. GRCh37 (hg19) VCF-style: chr18-56202908-A-G.
Other names: short protein forms I1504T.
Identifiers: ClinVar variation 1741133 (VCV001741133.2), dbSNP rs2051641329, ClinGen allele CA402561992.

ClinVar aggregate classification (germline): Uncertain significance (1 of 4 stars; one submission).

Allele frequency attached by ClinVar (database versions not stated): TOPMed below 0.00001; gnomAD 0.00001.
gnomAD v4.1: 1 of 1,614,116 alleles (0.000062%); highest among the groups gnomAD compares: Non-Finnish European, 0.000085%; no homozygotes.

Submission:

Ambry Genetics
Classification: Uncertain significance. Last evaluated: 2021-08-11. Review status: criteria provided, single submitter. Criteria: Ambry Variant Classification Scheme 2023. Collection method: clinical testing. Allele origin: germline.
Comment: The p.I1504T variant (also known as c.4511T>C), located in coding exon 4 of the ALPK2 gene, results from a T to C substitution at nucleotide position 4511. The isoleucine at codon 1504 is replaced by threonine, an amino acid with similar properties. This amino acid position is conserved. In addition, this alteration is predicted to be tolerated by in silico analysis. Since supporting evidence is limited at this time, the clinical significance of this alteration remains unclear.